The following is an entry in ClinVar:

ClinVar aggregate classification (germline): Uncertain significance (1 of 4 stars; one submission).

gnomAD v4.1: 2 of 1,614,138 alleles (0.00012%); highest among the groups gnomAD compares: Non-Finnish European, 0.000085%; no homozygotes.

Submission:

Labcorp Genetics (formerly Invitae), Labcorp
Classification: Uncertain significance. Last evaluated: 2019-10-17. Review status: criteria provided, single submitter. Criteria: Invitae Variant Classification Sherloc (09022015). Collection method: clinical testing. Allele origin: germline.
Comment: This sequence change replaces proline with threonine at codon 1014 of the COL4A3 protein (p.Pro1014Thr). The proline residue is moderately conserved and there is a small physicochemical difference between proline and threonine. This variant is not present in population databases (ExAC no frequency). This variant has not been reported in the literature in individuals with COL4A3-related conditions. In summary, the available evidence is currently insufficient to determine the role of this variant in disease. Therefore, it has been classified as a Variant of Uncertain Significance.

NM_000091.5(COL4A3):c.3040C>A (p.Pro1014Thr)

Genes: COL4A3 (collagen type IV alpha 3 chain; plus strand), MFF-DT (MFF divergent transcript; minus strand). Cytogenetic location: 2q36.3.
Variant type: single nucleotide variant.
Coding change: c.3040C>A on transcript NM_000091.5 (MANE Select); coding-DNA position 3040, C replaced by A.
Protein change: p.Pro1014Thr; replaces proline 1014 with threonine.
Molecular consequence: missense variant.
Genome position (GRCh38, 1-based): chr2:227,290,058, C>A. VCF-style: chr2-227290058-C-A. GRCh37 (hg19) VCF-style: chr2-228154774-C-A.
Other names: short protein forms P1014T.
Identifiers: ClinVar variation 2151768 (VCV002151768.1), dbSNP rs773321281, ClinGen allele CA350855126.